The following is an entry in ClinVar:

ClinVar aggregate classification (germline): Uncertain significance (1 of 4 stars; one submission).

Allele frequency attached by ClinVar (database versions not stated): TOPMed 0.00011; gnomAD 0.00012.
gnomAD v4.1: 179 of 1,610,996 alleles (0.011%); highest among the groups gnomAD compares: South Asian, 0.015%; no homozygotes.

Submission:

CeGaT Center for Human Genetics Tuebingen
Classification: Uncertain significance. Last evaluated: 2023-01-01. Review status: criteria provided, single submitter. Criteria: CeGaT Center For Human Genetics Tuebingen Variant Classification Criteria Version 2. Collection method: clinical testing. Allele origin: germline. Affected: yes. Observed: 1 variant allele.
Comment: SPTBN4: PM2, PP2, PP3

NM_020971.3(SPTBN4):c.4141G>A (p.Val1381Met)

Gene: SPTBN4 (spectrin beta, non-erythrocytic 4; plus strand). Cytogenetic location: 19q13.2.
Variant type: single nucleotide variant.
Coding change: c.4141G>A on transcript NM_020971.3 (MANE Select); coding-DNA position 4141, G replaced by A.
Protein change: p.Val1381Met; replaces valine 1381 with methionine.
Molecular consequence: missense variant.
Genome position (GRCh38, 1-based): chr19:40,534,125, G>A. VCF-style: chr19-40534125-G-A. GRCh37 (hg19) VCF-style: chr19-41040032-G-A.
Other names: c.169G>A, p.Val57Met (NM_025213.3); short protein forms V1381M, V57M.
Identifiers: ClinVar variation 2498780 (VCV002498780.28), dbSNP rs34951265, ClinGen allele CA9446199.
Genomic context (GRCh38, chr19:40,534,125, plus strand): 5'-ACCCACTTGGGGCAGGAGGGCCAGCAACTGATGCAGGAGAAGCCCGAACTGGCGGCCTCC[G>A]TGCGGAAGAAGCTGGGCGAGATCCGCCAGTGCTGGGCGGAGCTGGAGAGCACCACCCAGG-3'
Protein context (NP_066022.2, residues 1371-1391): MQEKPELAAS[Val1381Met]RKKLGEIRQC